The following is an entry in ClinVar:

ClinVar aggregate classification (germline): Uncertain significance (1 of 4 stars; one submission).

Submission:

GeneDx
Classification: Uncertain significance. Last evaluated: 2025-01-21. Review status: criteria provided, single submitter. Criteria: GeneDx Variant Classification Process June 2021. Collection method: clinical testing. Allele origin: germline. Affected: yes.
Comment: Not observed at significant frequency in large population cohorts (gnomAD); In silico analysis supports that this missense variant has a deleterious effect on protein structure/function; Has not been previously published as pathogenic or benign to our knowledge

NM_153700.2(STRC):c.506G>A (p.Cys169Tyr)

Gene: STRC (stereocilin; minus strand). Cytogenetic location: 15q15.3.
Variant type: single nucleotide variant.
Coding change: c.506G>A on transcript NM_153700.2 (MANE Select); coding-DNA position 506, G replaced by A.
Protein change: p.Cys169Tyr; replaces cysteine 169 with tyrosine.
Molecular consequence: missense variant.
Genome position (GRCh38, 1-based): chr15:43,617,915, C>T on the plus strand (G>A on the coding strand, the complement: STRC is on the minus strand). VCF-style: chr15-43617915-C-T. GRCh37 (hg19) VCF-style: chr15-43910113-C-T.
Other names: short protein forms C169Y.
Identifiers: ClinVar variation 4071630 (VCV004071630.1).